The following is an entry in ClinVar:

NM_006586.5(CNPY3):c.674A>G (p.Lys225Arg)

Genes: CNPY3 (canopy FGF signaling regulator 3; plus strand), CNPY3-GNMT (CNPY3-GNMT readthrough; plus strand). Cytogenetic location: 6p21.1.
Variant type: single nucleotide variant.
Coding change: c.674A>G on transcript NM_006586.5 (MANE Select); coding-DNA position 674, A replaced by G.
Protein change: p.Lys225Arg; replaces lysine 225 with arginine.
Molecular consequence: missense variant. On other transcripts: non-coding transcript variant (4), intron variant (3).
Genome position (GRCh38, 1-based): chr6:42,938,628, A>G. VCF-style: chr6-42938628-A-G. GRCh37 (hg19) VCF-style: chr6-42906366-A-G.
Other names: c.773A>G, p.Lys258Arg (NM_001318842.1); c.407A>G, p.Lys136Arg (NM_001318845.1); c.8+8907A>G (NM_001318856.2); c.151+8907A>G (NM_001318857.2, NM_001318858.2); short protein forms K136R, K258R, K225R.
Identifiers: ClinVar variation 1028526 (VCV001028526.1), dbSNP rs1768399256, ClinGen allele CA364189658.

ClinVar aggregate classification (germline): Uncertain significance (1 of 4 stars; one submission).

Conditions:
Developmental and epileptic encephalopathy, 60. Also called: EPILEPTIC ENCEPHALOPATHY, EARLY INFANTILE, 60. Identifiers: MedGen C4693663, MONDO:0033369, OMIM 617929.

Submission:

Baylor Genetics
Classification: Uncertain significance for Developmental and epileptic encephalopathy, 60. Last evaluated: 2020-02-21. Review status: criteria provided, single submitter. Criteria: ACMG Guidelines, 2015. Collection method: clinical testing. Allele origin: unknown. Affected: yes.
Comment: This variant was determined to be of uncertain significance according to ACMG Guidelines, 2015 [PMID:25741868].